The following is an entry in ClinVar:

NM_000419.5(ITGA2B):c.2944-14G>A

Gene: ITGA2B (integrin subunit alpha 2b; minus strand). Cytogenetic location: 17q21.31.
Variant type: single nucleotide variant.
Coding change: c.2944-14G>A on transcript NM_000419.5 (MANE Select); 14 bases into the intron before coding-DNA position 2944, G replaced by A.
Molecular consequence: intron variant.
Genome position (GRCh38, 1-based): chr17:44,374,484, C>T on the plus strand (G>A on the coding strand, the complement: ITGA2B is on the minus strand). VCF-style: chr17-44374484-C-T. GRCh37 (hg19) VCF-style: chr17-42451852-C-T.
Identifiers: ClinVar variation 4710818 (VCV004710818.1).

ClinVar aggregate classification (germline): Uncertain significance (1 of 4 stars; one submission).

Conditions:
Glanzmann thrombasthenia. Also called: PLATELET GLYCOPROTEIN IIb-IIIa DEFICIENCY; BLEEDING DISORDER, PLATELET-TYPE, 2; THROMBASTHENIA OF GLANZMANN AND NAEGELI; Thrombasthenia; Glanzmann's thrombasthenia. Identifiers: Orphanet 849, MedGen C0040015, MONDO:0100326.

gnomAD v4.1: 69 of 1,609,826 alleles (0.0043%); highest among the groups gnomAD compares: Non-Finnish European, 0.0054%; no homozygotes.

Submission:

Labcorp Genetics (formerly Invitae), Labcorp
Classification: Uncertain significance for Glanzmann thrombasthenia. Last evaluated: 2025-09-10. Review status: criteria provided, single submitter. Criteria: Invitae Variant Classification Sherloc (09022015). Collection method: clinical testing. Allele origin: germline.
Comment: This sequence change falls in intron 28 of the ITGA2B gene. It does not directly change the encoded amino acid sequence of the ITGA2B protein. This variant is present in population databases (rs775755526, gnomAD 0.004%). This variant has not been reported in the literature in individuals affected with ITGA2B-related conditions. Algorithms developed to predict the effect of sequence changes on RNA splicing suggest that this variant may disrupt the consensus splice site. In summary, the available evidence is currently insufficient to determine the role of this variant in disease. Therefore, it has been classified as a Variant of Uncertain Significance.